The following is an entry in ClinVar:

NM_001330260.2(SCN8A):c.3248A>G (p.His1083Arg)

Gene: SCN8A (sodium voltage-gated channel alpha subunit 8; plus strand). Cytogenetic location: 12q13.13.
Variant type: single nucleotide variant.
Coding change: c.3248A>G on transcript NM_001330260.2 (MANE Select); coding-DNA position 3248, A replaced by G.
Protein change: p.His1083Arg; replaces histidine 1083 with arginine.
Molecular consequence: missense variant.
Genome position (GRCh38, 1-based): chr12:51,769,211, A>G. VCF-style: chr12-51769211-A-G. GRCh37 (hg19) VCF-style: chr12-52162995-A-G.
Other names: c.3248A>G, p.His1083Arg (NM_001177984.3, NM_001369788.1, NM_014191.4); short protein forms H1083R.
Identifiers: ClinVar variation 3390644 (VCV003390644.1).

ClinVar aggregate classification (germline): Uncertain significance (1 of 4 stars; one submission).

Submission:

GeneDx
Classification: Uncertain significance. Last evaluated: 2024-06-11. Review status: criteria provided, single submitter. Criteria: GeneDx Variant Classification Process June 2021. Collection method: clinical testing. Allele origin: germline. Affected: yes.
Comment: Not observed at significant frequency in large population cohorts (gnomAD); In silico analysis supports that this missense variant has a deleterious effect on protein structure/function; Has not been previously published as pathogenic or benign to our knowledge; Cytoplasmic loop between the second and third homologous domains